The following is an entry in ClinVar:

ClinVar aggregate classification (germline): Benign/Likely benign. Review status: criteria provided, multiple submitters, no conflicts (2 of 4 stars). 3 submissions from 3 submitters: Benign (1); Likely benign (2). Last evaluated 2024-10-14.

Conditions:
Hereditary cancer-predisposing syndrome. Also called: Neoplastic Syndromes, Hereditary; Hereditary Cancer Syndrome; Tumor predisposition; Hereditary neoplastic syndrome. Identifiers: Orphanet 140162, MedGen C0027672, MeSH D009386, MONDO:0015356.
Familial adenomatous polyposis 1 (FAP1). Also called: FAMILIAL ADENOMATOUS POLYPOSIS 1, ATTENUATED; POLYPOSIS, ADENOMATOUS INTESTINAL. Identifiers: MedGen C2713442, MONDO:0021056, OMIM 175100. Disease mechanism: loss of function.

Submissions (3):

Ambry Genetics
Classification: Likely benign for Hereditary cancer-predisposing syndrome. Last evaluated: 2024-10-14. Review status: criteria provided, single submitter. Criteria: Ambry Variant Classification Scheme 2023. Collection method: clinical testing. Allele origin: germline.

Myriad Genetics, Inc.
Classification: Benign for Familial adenomatous polyposis 1. Last evaluated: 2024-03-15. Review status: criteria provided, single submitter. Criteria: Myriad Autosomal Dominant, Autosomal Recessive and X-Linked Classification Criteria (2023). Collection method: clinical testing. Allele origin: unknown.
Comment: This variant is considered benign. This variant is a silent/synonymous amino acid change and it is not expected to impact splicing.

Labcorp Genetics (formerly Invitae), Labcorp
Classification: Likely benign for Familial adenomatous polyposis 1. Last evaluated: 2024-01-09. Review status: criteria provided, single submitter. Criteria: Invitae Variant Classification Sherloc (09022015). Collection method: clinical testing. Allele origin: germline.

NM_000038.6(APC):c.2955C>G (p.Ser985=)

Gene: APC (APC regulator of Wnt signaling pathway; plus strand). Cytogenetic location: 5q22.2.
Variant type: single nucleotide variant.
Coding change: c.2955C>G on transcript NM_000038.6 (MANE Select); coding-DNA position 2955, C replaced by G.
Protein change: p.Ser985=; no amino-acid change (serine 985 retained).
Molecular consequence: synonymous variant.
Genome position (GRCh38, 1-based): chr5:112,838,549, C>G. VCF-style: chr5-112838549-C-G. GRCh37 (hg19) VCF-style: chr5-112174246-C-G.
Other names: c.2955C>G (NM_000038.5); c.2955C>G, p.Ser985= (NM_001127510.3, NM_001354895.2); c.2901C>G, p.Ser967= (NM_001127511.3); c.3009C>G, p.Ser1003= (NM_001354896.2); c.2985C>G, p.Ser995= (NM_001354897.2); c.2880C>G, p.Ser960= (NM_001354898.2); c.2871C>G, p.Ser957= (NM_001354899.2); c.2832C>G, p.Ser944= (NM_001354900.2); and 6 more.
Identifiers: ClinVar variation 1133173 (VCV001133173.12), dbSNP rs2149881048, ClinGen allele CA445963089.
Genomic context (GRCh38, chr5:112,838,549, plus strand): 5'-TAGTGTCAGTAGTAGTGATGGTTATGGTAAAAGAGGTCAAATGAAACCCTCGATTGAATC[C>G]TATTCTGAAGATGATGAAAGTAAGTTTTGCAGTTATGGTCAATACCCAGCCGACCTAGCC-3'
Protein context (NP_000029.2, residues 975-995): KRGQMKPSIE[Ser985=]YSEDDESKFC